The following is an entry in ClinVar:

ClinVar aggregate classification (germline): Uncertain significance. Review status: criteria provided, multiple submitters, no conflicts (2 of 4 stars). 7 submissions from 7 submitters: Uncertain significance (7). Last evaluated 2025-09-08.

Conditions:
Autosomal recessive limb-girdle muscular dystrophy type 2C (LGMDR5). Also called: MUSCULAR DYSTROPHY, DUCHENNE-LIKE; MUSCULAR DYSTROPHY, LIMB-GIRDLE, AUTOSOMAL RECESSIVE 5. Identifiers: Orphanet 353, MedGen C0410173, MONDO:0009677, OMIM 253700. Disease mechanism: Affects gamma-sarcoglycan and also disrupts the integrity of the entire sarcoglycan complex..

Allele frequency attached by ClinVar (database versions not stated): gnomAD 0.00008 and 0.00007; ExAC 0.00009; gnomAD exomes 0.00010 and 0.00007; TOPMed 0.00006.
gnomAD v4.1: 108 of 1,613,214 alleles (0.0067%); highest among the groups gnomAD compares: Non-Finnish European, 0.0089%; no homozygotes.

Submissions (7):

Myriad Genetics, Inc.
Classification: Uncertain significance for Autosomal recessive limb-girdle muscular dystrophy type 2C. Last evaluated: 2025-09-08. Review status: criteria provided, single submitter. Criteria: Myriad Autosomal Dominant, Autosomal Recessive and X-Linked Classification Criteria (2023). Collection method: clinical testing. Allele origin: unknown.
Comment: NM_000231.2(SGCG):c.455C>T(T152I) is a missense variant classified as a variant of uncertain significance in the context of gamma-sarcoglycanopathy. T152I has been observed in a case with relevant disease (PMID: 29970176). Relevant functional assessments of this variant are not available in the literature. T152I has been observed in referenced population frequency databases. In summary, there is insufficient evidence to classify NM_000231.2(SGCG):c.455C>T(T152I) as pathogenic or benign. Please note: this variant was assessed in the context of healthy population screening.

Revvity Omics, Revvity
Classification: Uncertain significance for Autosomal recessive limb-girdle muscular dystrophy type 2C. Last evaluated: 2025-01-16. Review status: criteria provided, single submitter. Criteria: ACMG Guidelines, 2015. Collection method: clinical testing. Allele origin: germline.

Labcorp Genetics (formerly Invitae), Labcorp
Classification: Uncertain significance for Autosomal recessive limb-girdle muscular dystrophy type 2C. Last evaluated: 2024-11-29. Review status: criteria provided, single submitter. Criteria: Invitae Variant Classification Sherloc (09022015). Collection method: clinical testing. Allele origin: germline.
Comment: This sequence change replaces threonine, which is neutral and polar, with isoleucine, which is neutral and non-polar, at codon 152 of the SGCG protein (p.Thr152Ile). This variant is present in population databases (rs201329880, gnomAD 0.02%). This variant has not been reported in the literature in individuals affected with SGCG-related conditions. ClinVar contains an entry for this variant (Variation ID: 285717). Invitae Evidence Modeling of protein sequence and biophysical properties (such as structural, functional, and spatial information, amino acid conservation, physicochemical variation, residue mobility, and thermodynamic stability) indicates that this missense variant is not expected to disrupt SGCG protein function with a negative predictive value of 80%. In summary, the available evidence is currently insufficient to determine the role of this variant in disease. Therefore, it has been classified as a Variant of Uncertain Significance.

Blueprint Genetics
Classification: Uncertain significance. Last evaluated: 2024-11-23. Review status: criteria provided, single submitter. Criteria: ACMG Guidelines, 2015. Collection method: clinical testing. Allele origin: germline.

Athena Diagnostics
Classification: Uncertain significance. Last evaluated: 2022-08-31. Review status: criteria provided, single submitter. Criteria: Athena Diagnostics Criteria. Collection method: clinical testing. Allele origin: unknown.

ARUP Laboratories, Molecular Genetics and Genomics, ARUP Laboratories
Classification: Uncertain significance for Autosomal recessive limb-girdle muscular dystrophy type 2C. Last evaluated: 2021-01-15. Review status: criteria provided, single submitter. Criteria: ARUP Molecular Germline Variant Investigation Process 2021. Collection method: clinical testing. Allele origin: germline.
Comment: The SGCG c.455C>T; p.Thr152Ile variant (rs201329880), to our knowledge, is not reported in the medical literature but is reported in ClinVar (Variation ID: 285717). This variant is found in the non-Finnish European population with an overall allele frequency of 0.02% (26/129092 alleles) in the Genome Aggregation Database. The threonine at codon 152 is moderately conserved, and computational analyses are uncertain whether this variant is neutral or deleterious (REVEL: 0.68). However, due to limited information, the clinical significance of the p.Thr152Ile variant is uncertain at this time.

Eurofins Ntd Llc (ga)
Classification: Uncertain significance. Last evaluated: 2016-02-02. Review status: criteria provided, single submitter. Criteria: EGL Classification Definitions 2015. Collection method: clinical testing. Allele origin: germline. Observed: 2 variant alleles, 2 heterozygotes.

Literature cited by the submitters: PubMed 29970176 (cited by Myriad Genetics, Inc. and Athena Diagnostics).

NM_000231.3(SGCG):c.455C>T (p.Thr152Ile)

Gene: SGCG (sarcoglycan gamma; plus strand). Cytogenetic location: 13q12.12.
Variant type: single nucleotide variant.
Coding change: c.455C>T on transcript NM_000231.3 (MANE Select); coding-DNA position 455, C replaced by T.
Protein change: p.Thr152Ile; replaces threonine 152 with isoleucine.
Molecular consequence: missense variant.
Genome position (GRCh38, 1-based): chr13:23,279,428, C>T. VCF-style: chr13-23279428-C-T. GRCh37 (hg19) VCF-style: chr13-23853567-C-T.
Other names: c.509C>T, p.Thr170Ile (NM_001378244.1); c.455C>T, p.Thr152Ile (NM_001378245.1, NM_001378246.1); short protein forms T152I, T170I.
Identifiers: ClinVar variation 285717 (VCV000285717.19), dbSNP rs201329880, ClinGen allele CA6909696.